The following is an entry in ClinVar:

ClinVar aggregate classification (germline): Uncertain significance (1 of 4 stars; one submission).

Allele frequency attached by ClinVar (database versions not stated): gnomAD exomes below 0.00001.
gnomAD v4.1: 2 of 1,614,134 alleles (0.00012%); highest among the groups gnomAD compares: Non-Finnish European, 0.00017%; no homozygotes.

Submission:

Labcorp Genetics (formerly Invitae), Labcorp
Classification: Uncertain significance. Last evaluated: 2022-05-16. Review status: criteria provided, single submitter. Criteria: Invitae Variant Classification Sherloc (09022015). Collection method: clinical testing. Allele origin: germline.
Comment: This variant has not been reported in the literature in individuals affected with ARHGEF1-related conditions. In summary, the available evidence is currently insufficient to determine the role of this variant in disease. Therefore, it has been classified as a Variant of Uncertain Significance. Algorithms developed to predict the effect of missense changes on protein structure and function are either unavailable or do not agree on the potential impact of this missense change (SIFT: "Deleterious"; PolyPhen-2: "Possibly Damaging"; Align-GVGD: "Class C0"). This variant is not present in population databases (gnomAD no frequency). This sequence change replaces proline, which is neutral and non-polar, with leucine, which is neutral and non-polar, at codon 828 of the ARHGEF1 protein (p.Pro828Leu).

NM_004706.4(ARHGEF1):c.2438C>T (p.Pro813Leu)

Gene: ARHGEF1 (Rho guanine nucleotide exchange factor 1; plus strand). Cytogenetic location: 19q13.2.
Variant type: single nucleotide variant.
Coding change: c.2438C>T on transcript NM_004706.4 (MANE Select); coding-DNA position 2438, C replaced by T.
Protein change: p.Pro813Leu; replaces proline 813 with leucine.
Molecular consequence: missense variant. On other transcripts: non-coding transcript variant (2).
Genome position (GRCh38, 1-based): chr19:41,905,972, C>T. VCF-style: chr19-41905972-C-T. GRCh37 (hg19) VCF-style: chr19-42410124-C-T.
Other names: c.2606C>T, p.Pro869Leu (NM_001396000.1); c.2339C>T, p.Pro780Leu (NM_001396002.1, NM_001396004.1, NM_198977.2); c.2438C>T, p.Pro813Leu (NM_001396003.1, NM_001396006.1); c.2483C>T, p.Pro828Leu (NM_199002.2); short protein forms P869L, P780L, P813L, P828L.
Identifiers: ClinVar variation 1926194 (VCV001926194.5), dbSNP rs2513927075, ClinGen allele CA406068543.